The following is an entry in ClinVar:

ClinVar aggregate classification (germline): Pathogenic/Likely pathogenic. Review status: criteria provided, multiple submitters, no conflicts (2 of 4 stars). 2 submissions from 2 submitters: Pathogenic (1); Likely pathogenic (1). Last evaluated 2024-03-17.

Conditions:
Fanconi anemia (FA). Also called: Fanconi's anemia. Identifiers: Orphanet 84, MedGen C0015625, MeSH D005199, MONDO:0019391.
Fanconi anemia complementation group G. Also called: FANCG-Related Fanconi Anemia; Fanconi anemia group G. Identifiers: Orphanet 84, MedGen C3469527, MONDO:0013565, OMIM 614082.

Submissions (2):

Labcorp Genetics (formerly Invitae), Labcorp
Classification: Pathogenic for Fanconi anemia. Last evaluated: 2024-03-17. Review status: criteria provided, single submitter. Criteria: Invitae Variant Classification Sherloc (09022015). Collection method: clinical testing. Allele origin: germline.
Comment: This sequence change creates a premature translational stop signal (p.Trp279*) in the FANCG gene. It is expected to result in an absent or disrupted protein product. Loss-of-function variants in FANCG are known to be pathogenic (PMID: 12552564). This variant is not present in population databases (gnomAD no frequency). This variant has not been reported in the literature in individuals affected with FANCG-related conditions. Algorithms developed to predict the effect of sequence changes on RNA splicing suggest that this variant may disrupt the consensus splice site. For these reasons, this variant has been classified as Pathogenic.

Fulgent Genetics
Classification: Likely pathogenic for Fanconi anemia complementation group G. Last evaluated: 2024-01-23. Review status: criteria provided, single submitter. Criteria: ACMG Guidelines, 2015. Collection method: clinical testing. Allele origin: germline.

Literature cited by the submitters: PubMed 12552564 (cited by Labcorp Genetics (formerly Invitae), Labcorp).

NM_004629.2(FANCG):c.836G>A (p.Trp279Ter)

Gene: FANCG (FA complementation group G; minus strand). Cytogenetic location: 9p13.3.
Variant type: single nucleotide variant.
Coding change: c.836G>A on transcript NM_004629.2 (MANE Select); coding-DNA position 836, G replaced by A.
Protein change: p.Trp279Ter; replaces tryptophan 279 with a stop codon.
Molecular consequence: nonsense.
Genome position (GRCh38, 1-based): chr9:35,076,812, C>T on the plus strand (G>A on the coding strand, the complement: FANCG is on the minus strand). VCF-style: chr9-35076812-C-T. GRCh37 (hg19) VCF-style: chr9-35076809-C-T.
Other names: short protein forms W279*.
Identifiers: ClinVar variation 2812163 (VCV002812163.4), dbSNP rs2490402601, ClinGen allele CA373313084.